The following is an entry in ClinVar:

NM_032382.5(COG8):c.33C>A (p.Ala11=)

Gene: COG8 (component of oligomeric golgi complex 8; minus strand). Cytogenetic location: 16q22.1.
Variant type: single nucleotide variant.
Coding change: c.33C>A on transcript NM_032382.5 (MANE Select); coding-DNA position 33, C replaced by A.
Protein change: p.Ala11=; no amino-acid change (alanine 11 retained).
Molecular consequence: synonymous variant.
Genome position (GRCh38, 1-based): chr16:69,339,520, G>T on the plus strand (C>A on the coding strand, the complement: COG8 is on the minus strand). VCF-style: chr16-69339520-G-T. GRCh37 (hg19) VCF-style: chr16-69373423-G-T.
Other names: c.33C>A, p.Ala11= (NM_001374871.1, NM_001379261.1, NM_001379262.1 and 4 more transcripts).
Identifiers: ClinVar variation 676663 (VCV000676663.1), dbSNP rs772221653, ClinGen allele CA8134075.

ClinVar aggregate classification (germline): Likely benign (1 of 4 stars; one submission).

Allele frequency attached by ClinVar (database versions not stated): ExAC 0.00005; gnomAD exomes 0.00009; TOPMed 0.00005; gnomAD 0.00007.

Submission:

GeneDx
Classification: Likely benign. Last evaluated: 2018-04-10. Review status: criteria provided, single submitter. Criteria: GeneDx Variant Classification (06012015). Collection method: clinical testing. Allele origin: germline. Affected: yes.
Comment: This variant is considered likely benign or benign based on one or more of the following criteria: it is a conservative change, it occurs at a poorly conserved position in the protein, it is predicted to be benign by multiple in silico algorithms, and/or has population frequency not consistent with disease.